The following is an entry in ClinVar:

ClinVar aggregate classification (germline): Likely pathogenic (1 of 4 stars; one submission).

Submissions (2):

Labcorp Genetics (formerly Invitae), Labcorp
Classification: Likely pathogenic. Last evaluated: 2024-06-06. Review status: criteria provided, single submitter. Criteria: Invitae Variant Classification Sherloc (09022015). Collection method: clinical testing. Allele origin: germline.
Comment: This sequence change affects a donor splice site in intron 5 of the TRIM28 gene. It is expected to disrupt RNA splicing. Variants that disrupt the donor or acceptor splice site typically lead to a loss of protein function (PMID: 16199547), and loss-of-function variants in TRIM28 are known to be pathogenic (PMID: 30694527, 30885698). This variant is not present in population databases (gnomAD no frequency). Disruption of this splice site has been observed in individual(s) with Wilms tumor (PMID: 30543698). Studies have shown that disruption of this splice site is associated with inconclusive levels of altered splicing (PMID: 30543698). In summary, the currently available evidence indicates that the variant is pathogenic, but additional data are needed to prove that conclusively. Therefore, this variant has been classified as Likely Pathogenic.

Dr. Peter K. Rogan Lab, Western University
No classification provided (evidence only). Condition: Uterine corpus endometrial carcinoma. Review status: no classification provided. Collection method: in vitro. Allele origin: not applicable. Functional consequence: retained intron. Not counted in ClinVar's aggregate classification.

Literature cited by the submitters: PubMed 16199547 (cited by Labcorp Genetics (formerly Invitae), Labcorp); PubMed 30694527 (cited by Labcorp Genetics (formerly Invitae), Labcorp); PubMed 30885698 (cited by Labcorp Genetics (formerly Invitae), Labcorp); PubMed 30543698 (cited by Labcorp Genetics (formerly Invitae), Labcorp).

NM_005762.3(TRIM28):c.839+1G>A

Gene: TRIM28 (tripartite motif containing 28; plus strand). Cytogenetic location: 19q13.43.
Variant type: single nucleotide variant.
Coding change: c.839+1G>A on transcript NM_005762.3 (MANE Select); the canonical splice donor site of the intron after coding-DNA position 839, G replaced by A.
Molecular consequence: splice donor variant.
Genome position (GRCh38, 1-based): chr19:58,547,714, G>A. VCF-style: chr19-58547714-G-A. GRCh37 (hg19) VCF-style: chr19-59059081-G-A.
Identifiers: ClinVar variation 3655749 (VCV003655749.3).